The following is an entry in ClinVar:

NM_000038.6(APC):c.154C>A (p.Gln52Lys)

Gene: APC (APC regulator of Wnt signaling pathway; plus strand). Cytogenetic location: 5q22.2.
Variant type: single nucleotide variant.
Coding change: c.154C>A on transcript NM_000038.6 (MANE Select); coding-DNA position 154, C replaced by A.
Protein change: p.Gln52Lys; replaces glutamine 52 with lysine.
Molecular consequence: missense variant. On other transcripts: 5 prime UTR variant (4).
Genome position (GRCh38, 1-based): chr5:112,766,344, C>A. VCF-style: chr5-112766344-C-A. GRCh37 (hg19) VCF-style: chr5-112102041-C-A.
Other names: c.154C>A, p.Gln52Lys (NM_001127510.3, NM_001354895.2, NM_001354896.2 and 2 more transcripts); c.184C>A, p.Gln62Lys (NM_001127511.3, NM_001354897.2, NM_001354902.2); c.79C>A, p.Gln27Lys (NM_001354898.2, NM_001354904.2); c.-24C>A (NM_001354900.2, NM_001354901.2, NM_001354905.2); c.-882C>A (NM_001354906.2); short protein forms Q52K, Q62K, Q27K.
Identifiers: ClinVar variation 185951 (VCV000185951.9), dbSNP rs786202584, ClinGen allele CA005303.

ClinVar aggregate classification (germline): Uncertain significance. Review status: criteria provided, multiple submitters, no conflicts (2 of 4 stars). 2 submissions from 2 submitters: Uncertain significance (2). Last evaluated 2025-10-23.

Conditions:
Hereditary cancer-predisposing syndrome. Also called: Hereditary neoplastic syndrome; Neoplastic Syndromes, Hereditary; Tumor predisposition; Hereditary Cancer Syndrome. Identifiers: Orphanet 140162, MedGen C0027672, MeSH D009386, MONDO:0015356.
Familial adenomatous polyposis 1 (FAP1). Also called: FAMILIAL ADENOMATOUS POLYPOSIS 1, ATTENUATED; POLYPOSIS, ADENOMATOUS INTESTINAL. Identifiers: MedGen C2713442, MONDO:0021056, OMIM 175100. Disease mechanism: loss of function.

Submissions (2):

Ambry Genetics
Classification: Uncertain significance for Hereditary cancer-predisposing syndrome. Last evaluated: 2025-10-23. Review status: criteria provided, single submitter. Criteria: Ambry Variant Classification Scheme 2023. Collection method: clinical testing. Allele origin: germline.
Comment: The p.Q52K variant (also known as c.154C>A), located in coding exon 2 of the APC gene, results from a C to A substitution at nucleotide position 154. The glutamine at codon 52 is replaced by lysine, an amino acid with similar properties. This amino acid position is highly conserved in available vertebrate species. In addition, in silico predictors for this gene do not accurately predict pathogenicity. Since supporting evidence is limited at this time, the clinical significance of this alteration remains unclear.

Labcorp Genetics (formerly Invitae), Labcorp
Classification: Uncertain significance for Familial adenomatous polyposis 1. Last evaluated: 2023-05-03. Review status: criteria provided, single submitter. Criteria: Invitae Variant Classification Sherloc (09022015). Collection method: clinical testing. Allele origin: germline.
Comment: In summary, the available evidence is currently insufficient to determine the role of this variant in disease. Therefore, it has been classified as a Variant of Uncertain Significance. Advanced modeling of protein sequence and biophysical properties (such as structural, functional, and spatial information, amino acid conservation, physicochemical variation, residue mobility, and thermodynamic stability) performed at Invitae indicates that this missense variant is not expected to disrupt APC protein function. ClinVar contains an entry for this variant (Variation ID: 185951). This variant has not been reported in the literature in individuals affected with APC-related conditions. This variant is not present in population databases (gnomAD no frequency). This sequence change replaces glutamine, which is neutral and polar, with lysine, which is basic and polar, at codon 52 of the APC protein (p.Gln52Lys).